The following is an entry in ClinVar:

NM_201384.3(PLEC):c.2924G>A (p.Gly975Asp)

Gene: PLEC (plectin; minus strand). Cytogenetic location: 8q24.3.
Variant type: single nucleotide variant.
Coding change: c.2924G>A on transcript NM_201384.3 (MANE Select); coding-DNA position 2924, G replaced by A.
Protein change: p.Gly975Asp; replaces glycine 975 with aspartic acid.
Molecular consequence: missense variant.
Genome position (GRCh38, 1-based): chr8:143,929,571, C>T on the plus strand (G>A on the coding strand, the complement: PLEC is on the minus strand). VCF-style: chr8-143929571-C-T. GRCh37 (hg19) VCF-style: chr8-145003739-C-T.
Other names: c.3005G>A, p.Gly1002Asp (NM_000445.5); c.2882G>A, p.Gly961Asp (NM_201378.4); c.2858G>A, p.Gly953Asp (NM_201379.3); c.3335G>A, p.Gly1112Asp (NM_201380.4); c.2828G>A, p.Gly943Asp (NM_201381.3); c.2924G>A, p.Gly975Asp (NM_201382.4); c.2936G>A, p.Gly979Asp (NM_201383.3); c.3005G>A (NM_000445.3); short protein forms G1112D, G953D, G979D, G1002D, G943D, G961D, G975D.
Identifiers: ClinVar variation 662881 (VCV000662881.10), dbSNP rs782214942, ClinGen allele CA4927284.

ClinVar aggregate classification (germline): Uncertain significance. Review status: criteria provided, multiple submitters, no conflicts (2 of 4 stars). 3 submissions from 3 submitters: Uncertain significance (3). Last evaluated 2026-06-27.

Conditions:
PLEC-related disorder. Also called: PLEC-related condition; PLEC-related disorders.
Autosomal recessive limb-girdle muscular dystrophy type 2Q (LGMDR17). Also called: MUSCULAR DYSTROPHY, LIMB-GIRDLE, AUTOSOMAL RECESSIVE 17. Identifiers: Orphanet 254361, MedGen C3150989, MONDO:0013390, OMIM 613723.
Epidermolysis bullosa simplex 5B, with muscular dystrophy (EBS5B). Also called: EPIDERMOLYSIS BULLOSA SIMPLEX AND LIMB-GIRDLE MUSCULAR DYSTROPHY; Epidermolysis bullosa simplex with muscular dystrophy. Identifiers: Orphanet 257, MedGen C2931072, MONDO:0009181, OMIM 226670.
Epidermolysis bullosa simplex with nail dystrophy (EBS5D). Identifiers: MedGen C4225309, MONDO:0014661, OMIM 616487.
Epidermolysis bullosa simplex 5C, with pyloric atresia (EBS5C). Also called: PLEC-Related Epidermolysis Bullosa with Pyloric Atresia; Epidermolysis bullosa simplex with pyloric atresia; PLEC1-Related Epidermolysis Bullosa with Pyloric Atresia. Identifiers: Orphanet 158684, MedGen C2677349, MONDO:0012807, OMIM 612138.
Epidermolysis bullosa simplex, Ogna type (EBS5A). Also called: EPIDERMOLYSIS BULLOSA SIMPLEX 5A, OGNA TYPE; Pidermolysis bullosa simplex 5A, Ogna type. Identifiers: Orphanet 79401, MedGen C0432317, MONDO:0007555, OMIM 131950.
Inborn genetic diseases. Identifiers: MedGen C0950123, MeSH D030342.

Allele frequency attached by ClinVar (database versions not stated): gnomAD exomes below 0.00001 and 0.00001; ExAC 0.00001; TOPMed 0.00004; gnomAD 0.00006.
gnomAD v4.1: 14 of 1,612,322 alleles (0.00087%); highest among the groups gnomAD compares: African/African-American, 0.015%; no homozygotes.

Submissions (3):

PreventionGenetics, part of Exact Sciences
Classification: Uncertain significance for PLEC-related condition. Last evaluated: 2026-06-27. Review status: criteria provided, single submitter. Criteria: ACMG Guidelines, 2015. Collection method: clinical testing. Allele origin: germline.
Comment: The PLEC c.3005G>A variant is predicted to result in the amino acid substitution p.Gly1002Asp. To our knowledge, this variant has not been reported in the literature. This variant is reported in 0.017% of alleles in individuals of African descent in gnomAD. At this time, the clinical significance of this variant is uncertain due to the absence of conclusive functional and genetic evidence.

Ambry Genetics
Classification: Uncertain significance for Inborn genetic diseases. Last evaluated: 2025-07-02. Review status: criteria provided, single submitter. Criteria: Ambry Variant Classification Scheme 2023. Collection method: clinical testing. Allele origin: germline.

Labcorp Genetics (formerly Invitae), Labcorp
Classification: Uncertain significance for Autosomal recessive limb-girdle muscular dystrophy type 2Q; Epidermolysis bullosa simplex, Ogna type; Epidermolysis bullosa simplex with nail dystrophy; Epidermolysis bullosa simplex 5C, with pyloric atresia; Epidermolysis bullosa simplex 5B, with muscular dystrophy. Last evaluated: 2022-11-10. Review status: criteria provided, single submitter. Criteria: Invitae Variant Classification Sherloc (09022015). Collection method: clinical testing. Allele origin: germline.
Comment: This sequence change replaces glycine, which is neutral and non-polar, with aspartic acid, which is acidic and polar, at codon 1002 of the PLEC protein (p.Gly1002Asp). In summary, the available evidence is currently insufficient to determine the role of this variant in disease. Therefore, it has been classified as a Variant of Uncertain Significance. Algorithms developed to predict the effect of missense changes on protein structure and function are either unavailable or do not agree on the potential impact of this missense change (SIFT: "Deleterious"; PolyPhen-2: "Not Available"; Align-GVGD: "Class C65"). ClinVar contains an entry for this variant (Variation ID: 662881). This missense change has been observed in individual(s) with clinical features of limb-girdle muscular dystrophy (Invitae). This variant is present in population databases (rs782214942, gnomAD 0.02%).